The following is an entry in ClinVar:

ClinVar aggregate classification (germline): Uncertain significance (1 of 4 stars; one submission).

Conditions:
Charcot-Marie-Tooth disease dominant intermediate F. Identifiers: Orphanet 352670, MedGen C4749463, MONDO:0014074, OMIM 615185.

Allele frequency attached by ClinVar (database versions not stated): gnomAD exomes below 0.00001; gnomAD 0.00001; TOPMed 0.00002.
gnomAD v4.1: 2 of 1,613,548 alleles (0.00012%); highest among the groups gnomAD compares: Non-Finnish European, 0.00017%; no homozygotes.

Submission:

Labcorp Genetics (formerly Invitae), Labcorp
Classification: Uncertain significance for Charcot-Marie-Tooth disease dominant intermediate F. Last evaluated: 2021-09-17. Review status: criteria provided, single submitter. Criteria: Invitae Variant Classification Sherloc (09022015). Collection method: clinical testing. Allele origin: germline.
Comment: This variant is not present in population databases (ExAC no frequency). This sequence change replaces leucine with valine at codon 300 of the GNB4 protein (p.Leu300Val). The leucine residue is highly conserved and there is a small physicochemical difference between leucine and valine. This variant has not been reported in the literature in individuals affected with GNB4-related conditions. In summary, the available evidence is currently insufficient to determine the role of this variant in disease. Therefore, it has been classified as a Variant of Uncertain Significance. Algorithms developed to predict the effect of sequence changes on RNA splicing suggest that this variant may create or strengthen a splice site. Algorithms developed to predict the effect of missense changes on protein structure and function are either unavailable or do not agree on the potential impact of this missense change (SIFT: "Deleterious"; PolyPhen-2: "Benign"; Align-GVGD: "Class C0").

NM_021629.4(GNB4):c.898C>G (p.Leu300Val)

Gene: GNB4 (G protein subunit beta 4; minus strand). Cytogenetic location: 3q26.33.
Variant type: single nucleotide variant.
Coding change: c.898C>G on transcript NM_021629.4 (MANE Select); coding-DNA position 898, C replaced by G.
Protein change: p.Leu300Val; replaces leucine 300 with valine.
Molecular consequence: missense variant.
Genome position (GRCh38, 1-based): chr3:179,405,208, G>C on the plus strand (C>G on the coding strand, the complement: GNB4 is on the minus strand). VCF-style: chr3-179405208-G-C. GRCh37 (hg19) VCF-style: chr3-179122996-G-C.
Other names: c.898C>G (NM_021629.3); short protein forms L300V.
Identifiers: ClinVar variation 1397286 (VCV001397286.7), dbSNP rs1390536220, ClinGen allele CA355468780.